The following is an entry in ClinVar:

NM_182746.3(MCM4):c.1800+5G>T

Gene: MCM4 (minichromosome maintenance complex component 4; plus strand). Cytogenetic location: 8q11.21.
Variant type: single nucleotide variant.
Coding change: c.1800+5G>T on transcript NM_182746.3 (MANE Select); 5 bases into the intron after coding-DNA position 1800, G replaced by T.
Molecular consequence: intron variant.
Genome position (GRCh38, 1-based): chr8:47,970,881, G>T. VCF-style: chr8-47970881-G-T. GRCh37 (hg19) VCF-style: chr8-48883441-G-T.
Other names: c.1800+5G>T (NM_005914.4).
Identifiers: ClinVar variation 1522441 (VCV001522441.6), dbSNP rs750380475, ClinGen allele CA176158114.

ClinVar aggregate classification (germline): Uncertain significance (1 of 4 stars; one submission).

gnomAD v4.1: 7 of 1,579,426 alleles (0.00044%); highest among the groups gnomAD compares: Non-Finnish European, 0.0006%; no homozygotes.

Submission:

Labcorp Genetics (formerly Invitae), Labcorp
Classification: Uncertain significance. Last evaluated: 2021-10-08. Review status: criteria provided, single submitter. Criteria: Invitae Variant Classification Sherloc (09022015). Collection method: clinical testing. Allele origin: germline.
Comment: In summary, the available evidence is currently insufficient to determine the role of this variant in disease. Therefore, it has been classified as a Variant of Uncertain Significance. Nucleotide substitutions within the consensus splice site are a relatively common cause of aberrant splicing (PMID: 17576681, 9536098). Algorithms developed to predict the effect of sequence changes on RNA splicing suggest that this variant may disrupt the consensus splice site, but this prediction has not been confirmed by published transcriptional studies. This variant has not been reported in the literature in individuals with MCM4-related conditions. This variant is not present in population databases (ExAC no frequency). This sequence change falls in intron 11 of the MCM4 gene. It does not directly change the encoded amino acid sequence of the MCM4 protein. It affects a nucleotide within the consensus splice site of the intron.

Literature cited by the submitters: PubMed 17576681; PubMed 9536098.